The following is an entry in ClinVar:

ClinVar aggregate classification (germline): Pathogenic/Likely pathogenic. Review status: criteria provided, multiple submitters, no conflicts (2 of 4 stars). 4 submissions from 4 submitters: Pathogenic (1); Likely pathogenic (3). Last evaluated 2021-05-11.

Conditions:
Cardiovascular phenotype. Identifiers: MedGen CN230736.
Cardiomyopathy (CMYO). Also called: Cardiomyopathies. Identifiers: Orphanet 167848, MedGen C0878544, MONDO:0004994, HP:0001638. Inheritance: Various modes of inheritance.
Primary dilated cardiomyopathy (DCM). Also called: Dilated Cardiomyopathy. Identifiers: Orphanet 217604, MedGen C0007193, MeSH D002311, MONDO:0005021, HP:0001644. Inheritance: Various modes of inheritance.
Hypertrophic cardiomyopathy. Also called: HYPERTROPHIC MYOCARDIOPATHY. Identifiers: Orphanet 217569, MedGen C0007194, MeSH D002312, MONDO:0005045, HP:0001639.

Submissions (4):

Laboratory for Molecular Medicine, Mass General Brigham Personalized Medicine
Classification: Likely pathogenic for Primary dilated cardiomyopathy. Last evaluated: 2021-05-11. Review status: criteria provided, single submitter. Criteria: ACMG Guidelines, 2015. Collection method: clinical testing. Allele origin: germline. Inheritance: Autosomal dominant inheritance.
Comment: The p.Phe540Leu variant in MYH7 has been reported in 1 individual with dilated cardiomyopathy (DCM) and segregated with disease in 7 affected individuals from one family (Cuenca 2016 PMID: 26899768,). Additionally, it was reported as de novo in one individual with clinical features of left ventricular noncompaction (Invitae data). This variant has also been reported by other clinical laboratories in ClinVar (Variation ID 407186) and was absent from large population studies. This variant lies in the head region of the protein (aa 181-937) and while missense variants in this region are statistically more likely to be associated with hypertrophic cardiomyopathy (HCM; Walsh 2017 PMID:27532257), location in this region cannot be used to support pathogenicity for other phenotypes; therefore PM1 is not applicable. In addition, computational prediction tools and conservation analyses are consistent with pathogenicity. In summary, although additional studies are required to fully establish its clinical significance, this variant meets criteria to be classified as likely pathogenic for autosomal dominant DCM. ACMG/AMP Criteria applied: PP1_Strong, PM2_Supporting, PP3.

Rady Children's Institute for Genomic Medicine, Rady Children's Hospital San Diego
Classification: Likely pathogenic for Cardiomyopathy. Last evaluated: 2019-08-05. Review status: criteria provided, single submitter. Criteria: ACMG Guidelines, 2015. Collection method: clinical testing. Allele origin: germline. Affected: yes.
Comment: This variant has been previously reported as a heterozygous change and segregated with disease in a large family with dilated cardiomyopathy (PMID: 26899768). The variant has been classified as Pathogenic by a clinical diagnostic laboratory in the ClinVar database (Variation ID: 407186). The variant is absent from the ExAC and gnomAD population databases and thus is presumed to be rare. The c.1618T>C (p.Phe540Leu) variant affects a highly conserved amino acid and is predicted by multiple in silico tools to have a deleterious effect on protein function. Based on the available evidence, the c.1618T>C (p.Phe540Leu) variant is classified as Pathogenic.

Labcorp Genetics (formerly Invitae), Labcorp
Classification: Pathogenic for Hypertrophic cardiomyopathy. Last evaluated: 2018-01-16. Review status: criteria provided, single submitter. Criteria: Invitae Variant Classification Sherloc (09022015). Collection method: clinical testing. Allele origin: germline.
Comment: For these reasons, this variant has been classified as Pathogenic. This variant is found within a region of MYH7 between codons 181 and 937 that contains the majority of the myosin head domain. Missense variants in this region have been shown to be significantly overrepresented in individuals with hypertrophic cardiomyopathy (PMID: 27532257). A computational algorithm designed to assess the pathogenicity of missense variants in MYH7 with regard to hypertrophic cardiomyopathy predicted this sequence change to be deleterious. The algorithm has a sensitivity of 94% and a specificity of 89% (PMID: 21310275). However, this prediction has not been confirmed by published functional studies. In addition, this variant has been reported in the literature to segregate in a family with dilated cardiomyopathy (PMID: 26899768). ClinVar contains an entry for this variant (Variation ID: 407186). This variant is not present in population databases (ExAC no frequency). This sequence change replaces phenylalanine with leucine at codon 540 of the MYH7 protein (p.Phe540Leu). The phenylalanine residue is highly conserved and there is a small physicochemical difference between phenylalanine and leucine.

Ambry Genetics
Classification: Likely pathogenic for Cardiovascular phenotype. Last evaluated: 2016-10-13. Review status: criteria provided, single submitter. Criteria: Ambry Variant Classification Scheme 2023. Collection method: clinical testing. Allele origin: germline.
Comment: The p.F540L variant (also known as c.1618T>C), located in coding exon 14 of the MYH7 gene, results from a T to C substitution at nucleotide position 1618. The phenylalanine at codon 540 is replaced by leucine, an amino acid with highly similar properties. This alteration has been reported to segregate with disease in multiple individuals in a family with dilated cardiomyopathy (Cuenca S et al. J Heart Lung Transplant. 2016;35(5):625-35). This amino acid position is highly conserved in available vertebrate species. In addition, this alteration is predicted to be deleterious by in silico analysis. Based on the majority of available evidence to date, this variant is likely to be pathogenic.

Literature cited by the submitters: PubMed 26899768 (cited by Laboratory for Molecular Medicine, Mass General Brigham Personalized Medicine and Labcorp Genetics (formerly Invitae), Labcorp); PubMed 27532257 (cited by Labcorp Genetics (formerly Invitae), Labcorp); PubMed 21310275 (cited by Labcorp Genetics (formerly Invitae), Labcorp).

NM_000257.4(MYH7):c.1618T>C (p.Phe540Leu)

Gene: MYH7 (myosin heavy chain 7; minus strand). Cytogenetic location: 14q11.2.
Variant type: single nucleotide variant.
Coding change: c.1618T>C on transcript NM_000257.4 (MANE Select); coding-DNA position 1618, T replaced by C.
Protein change: p.Phe540Leu; replaces phenylalanine 540 with leucine.
Molecular consequence: missense variant.
Genome position (GRCh38, 1-based): chr14:23,427,855, A>G on the plus strand (T>C on the coding strand, the complement: MYH7 is on the minus strand). VCF-style: chr14-23427855-A-G. GRCh37 (hg19) VCF-style: chr14-23897064-A-G.
Other names: c.1618T>C (LRG_384t1); short protein forms F540L.
Identifiers: ClinVar variation 407186 (VCV000407186.12), dbSNP rs1060501443, ClinGen allele CA16614425.